The following is an entry in ClinVar:

ClinVar aggregate classification (germline): Uncertain significance (1 of 4 stars; one submission).

Conditions:
Episodic kinesigenic dyskinesia (EKD). Also called: Paroxysmal kinesigenic dyskinesia. Identifiers: Orphanet 98809, MedGen C1868682, MONDO:0044202.

gnomAD v4.1: 1 of 1,566,542 alleles (0.000064%); highest among the groups gnomAD compares: South Asian, 0.0012%; no homozygotes.

Submission:

Labcorp Genetics (formerly Invitae), Labcorp
Classification: Uncertain significance for Episodic kinesigenic dyskinesia. Last evaluated: 2023-07-18. Review status: criteria provided, single submitter. Criteria: Invitae Variant Classification Sherloc (09022015). Collection method: clinical testing. Allele origin: germline.
Comment: This sequence change replaces arginine, which is basic and polar, with proline, which is neutral and non-polar, at codon 217 of the PRRT2 protein (p.Arg217Pro). This variant is not present in population databases (gnomAD no frequency). This variant has not been reported in the literature in individuals affected with PRRT2-related conditions. Advanced modeling of protein sequence and biophysical properties (such as structural, functional, and spatial information, amino acid conservation, physicochemical variation, residue mobility, and thermodynamic stability) performed at Invitae indicates that this missense variant is not expected to disrupt PRRT2 protein function. In summary, the available evidence is currently insufficient to determine the role of this variant in disease. Therefore, it has been classified as a Variant of Uncertain Significance.

NM_145239.3(PRRT2):c.650G>C (p.Arg217Pro)

Genes: MVP-DT (MVP divergent transcript; minus strand), PRRT2 (proline rich transmembrane protein 2; plus strand). Cytogenetic location: 16p11.2.
Variant type: single nucleotide variant.
Coding change: c.650G>C on transcript NM_145239.3 (MANE Select); coding-DNA position 650, G replaced by C.
Protein change: p.Arg217Pro; replaces arginine 217 with proline.
Molecular consequence: missense variant.
Genome position (GRCh38, 1-based): chr16:29,813,704, G>C. VCF-style: chr16-29813704-G-C. GRCh37 (hg19) VCF-style: chr16-29825025-G-C.
Other names: c.650G>C, p.Arg217Pro (NM_001256442.2, NM_001256443.2); short protein forms R217P.
Identifiers: ClinVar variation 3018113 (VCV003018113.3), dbSNP rs75497546, ClinGen allele CA395479171.